The following is an entry in ClinVar:

NM_000512.5(GALNS):c.1100A>G (p.Asn367Ser)

Gene: GALNS (galactosamine (N-acetyl)-6-sulfatase; minus strand). Cytogenetic location: 16q24.3.
Variant type: single nucleotide variant.
Coding change: c.1100A>G on transcript NM_000512.5 (MANE Select); coding-DNA position 1100, A replaced by G.
Protein change: p.Asn367Ser; replaces asparagine 367 with serine.
Molecular consequence: missense variant.
Genome position (GRCh38, 1-based): chr16:88,826,741, T>C on the plus strand (A>G on the coding strand, the complement: GALNS is on the minus strand). VCF-style: chr16-88826741-T-C. GRCh37 (hg19) VCF-style: chr16-88893149-T-C.
Other names: c.545A>G, p.Asn182Ser (NM_001323543.2); c.1118A>G, p.Asn373Ser (NM_001323544.2); short protein forms N367S, N373S, N182S.
Identifiers: ClinVar variation 1471344 (VCV001471344.6), dbSNP rs150111302, ClinGen allele CA8234826.

ClinVar aggregate classification (germline): Uncertain significance (1 of 4 stars; one submission).

Conditions:
Mucopolysaccharidosis, MPS-IV-A (MPS4A). Also called: MPS IVA; GALACTOSAMINE-6-SULFATASE DEFICIENCY; GALNS DEFICIENCY; MORQUIO A DISEASE; Morquio syndrome A, mild; MORQUIO SYNDROME A. Identifiers: Orphanet 309297, Orphanet 582, MedGen C0086651, MONDO:0009659, OMIM 253000.

Allele frequency attached by ClinVar (database versions not stated): gnomAD 0.00001 and 0.00002; gnomAD exomes 0.00001 and 0.00002; ExAC 0.00002; TOPMed 0.00002; ESP Exome Variant Server 0.00015.
gnomAD v4.1: 23 of 1,612,032 alleles (0.0014%); highest among the groups gnomAD compares: African/African-American, 0.0027%; no homozygotes.

Submission:

Labcorp Genetics (formerly Invitae), Labcorp
Classification: Uncertain significance for Mucopolysaccharidosis, MPS-IV-A. Last evaluated: 2022-07-25. Review status: criteria provided, single submitter. Criteria: Invitae Variant Classification Sherloc (09022015). Collection method: clinical testing. Allele origin: germline.
Comment: This variant has not been reported in the literature in individuals affected with GALNS-related conditions. In summary, the available evidence is currently insufficient to determine the role of this variant in disease. Therefore, it has been classified as a Variant of Uncertain Significance. Advanced modeling of protein sequence and biophysical properties (such as structural, functional, and spatial information, amino acid conservation, physicochemical variation, residue mobility, and thermodynamic stability) performed at Invitae indicates that this missense variant is not expected to disrupt GALNS protein function. ClinVar contains an entry for this variant (Variation ID: 1471344). This variant is present in population databases (rs150111302, gnomAD 0.002%). This sequence change replaces asparagine, which is neutral and polar, with serine, which is neutral and polar, at codon 367 of the GALNS protein (p.Asn367Ser).